The following is an entry in ClinVar:

NM_001089.3(ABCA3):c.3459C>T (p.Phe1153=)

Gene: ABCA3 (ATP binding cassette subfamily A member 3; minus strand). Cytogenetic location: 16p13.3.
Variant type: single nucleotide variant.
Coding change: c.3459C>T on transcript NM_001089.3 (MANE Select); coding-DNA position 3459, C replaced by T.
Protein change: p.Phe1153=; no amino-acid change (phenylalanine 1153 retained).
Molecular consequence: synonymous variant.
Genome position (GRCh38, 1-based): chr16:2,285,466, G>A on the plus strand (C>T on the coding strand, the complement: ABCA3 is on the minus strand). VCF-style: chr16-2285466-G-A. GRCh37 (hg19) VCF-style: chr16-2335467-G-A.
Identifiers: ClinVar variation 3046574 (VCV003046574.2), dbSNP rs1226857665, ClinGen allele CA493123980.

ClinVar aggregate classification (germline): Likely benign (0 of 4 stars; one submission).

Conditions:
ABCA3-related disorder. Also called: ABCA3-related condition.

Allele frequency attached by ClinVar (database versions not stated): gnomAD exomes below 0.00001.
gnomAD v4.1: 3 of 1,611,472 alleles (0.00019%); highest among the groups gnomAD compares: Non-Finnish European, 0.00025%; no homozygotes.

Submission:

PreventionGenetics, part of Exact Sciences
Classification: Likely benign for ABCA3-related condition. Last evaluated: 2019-04-05. Review status: no assertion criteria provided. Collection method: clinical testing. Allele origin: germline.
Comment: This variant is classified as likely benign based on ACMG/AMP sequence variant interpretation guidelines (Richards et al. 2015 PMID: 25741868, with internal and published modifications).